The following is an entry in ClinVar:

ClinVar aggregate classification (germline): Conflicting classifications of pathogenicity. Review status: criteria provided, conflicting classifications (1 of 4 stars). 4 submissions from 4 submitters: Uncertain significance (2); Benign (1); Likely benign (1). Last evaluated 2025-08-09.

Conditions:
Emery-Dreifuss muscular dystrophy 5, autosomal dominant (EDMD5). Also called: EMERY-DREIFUSS MUSCULAR DYSTROPHY 5. Identifiers: Orphanet 261, MedGen C2751805, MONDO:0013072, OMIM 612999.

Allele frequency attached by ClinVar (database versions not stated): gnomAD exomes 0.00001 and 0.00003; gnomAD 0.00002 and 0.00003; TOPMed 0.00002; ExAC 0.00004; 1000 Genomes Project 30x 0.00031; 1000 Genomes Project 0.00040.
gnomAD v4.1: 24 of 1,614,178 alleles (0.0015%); highest among the groups gnomAD compares: Admixed American, 0.0067%; no homozygotes.

Submissions (4):

Ambry Genetics
Classification: Likely benign. Last evaluated: 2025-08-09. Review status: criteria provided, single submitter. Criteria: Ambry Variant Classification Scheme 2023. Collection method: clinical testing. Allele origin: germline.

Labcorp Genetics (formerly Invitae), Labcorp
Classification: Uncertain significance for Emery-Dreifuss muscular dystrophy 5, autosomal dominant. Last evaluated: 2025-08-03. Review status: criteria provided, single submitter. Criteria: Invitae Variant Classification Sherloc (09022015). Collection method: clinical testing. Allele origin: germline.
Comment: This sequence change replaces valine, which is neutral and non-polar, with isoleucine, which is neutral and non-polar, at codon 4735 of the SYNE2 protein (p.Val4735Ile). This variant is present in population databases (rs538224852, gnomAD 0.009%). This variant has not been reported in the literature in individuals affected with SYNE2-related conditions. ClinVar contains an entry for this variant (Variation ID: 313598). An algorithm developed to predict the effect of missense changes on protein structure and function outputs the following: PolyPhen-2: "Benign". The isoleucine amino acid residue is found in multiple mammalian species, which suggests that this missense change does not adversely affect protein function. In summary, the available evidence is currently insufficient to determine the role of this variant in disease. Therefore, it has been classified as a Variant of Uncertain Significance.

Revvity Omics, Revvity
Classification: Uncertain significance for Emery-Dreifuss muscular dystrophy 5, autosomal dominant. Last evaluated: 2023-11-22. Review status: criteria provided, single submitter. Criteria: ACMG Guidelines, 2015. Collection method: clinical testing. Allele origin: germline.

Illumina Laboratory Services, Illumina
Classification: Benign for Emery-Dreifuss muscular dystrophy 5, autosomal dominant. Last evaluated: 2018-01-13. Review status: criteria provided, single submitter. Criteria: ICSL Variant Classification Criteria 13 December 2019. Collection method: clinical testing. Allele origin: germline.
Comment: This variant was observed in the ICSL laboratory as part of a predisposition screen in an ostensibly healthy population. It had not been previously curated by ICSL or reported in the Human Gene Mutation Database (HGMD: prior to June 1st, 2018), and was therefore a candidate for classification through an automated scoring system. Utilizing variant allele frequency, disease prevalence and penetrance estimates, and inheritance mode, an automated score was calculated to assess if this variant is too frequent to cause the disease. Based on the score and internal cut-off values, a variant classified as benign is not then subjected to further curation. The score for this variant resulted in a classification of benign for this disease.

NM_182914.3(SYNE2):c.14203G>A (p.Val4735Ile)

Gene: SYNE2 (spectrin repeat containing nuclear envelope protein 2; plus strand). Cytogenetic location: 14q23.2.
Variant type: single nucleotide variant.
Coding change: c.14203G>A on transcript NM_182914.3 (MANE Select); coding-DNA position 14203, G replaced by A.
Protein change: p.Val4735Ile; replaces valine 4735 with isoleucine.
Molecular consequence: missense variant.
Genome position (GRCh38, 1-based): chr14:64,130,111, G>A. VCF-style: chr14-64130111-G-A. GRCh37 (hg19) VCF-style: chr14-64596829-G-A.
Other names: c.14203G>A, p.Val4735Ile (NM_015180.6); short protein forms V4735I.
Identifiers: ClinVar variation 313598 (VCV000313598.12), dbSNP rs538224852, ClinGen allele CA7222716.
Genomic context (GRCh38, chr14:64,130,111, plus strand): 5'-GTACTTGACAGTATGTGGGGAATGCTAAGAGCCAGGTACACAGAACTCAGCAGCCCTTTC[G>A]TCACTGAGAGCCAGCAAGATGCTTTGTTGCAAGGCATGGTGGAACTGGTGAAGATTGGGA-3'
Protein context (NP_878918.2, residues 4725-4745): ARYTELSSPF[Val4735Ile]TESQQDALLQ